The following is an entry in ClinVar:

ClinVar aggregate classification (germline): Benign/Likely benign. Review status: criteria provided, multiple submitters, no conflicts (2 of 4 stars). 3 submissions from 3 submitters: Benign (1); Likely benign (2). Last evaluated 2026-01-19.

Conditions:
Cone-rod dystrophy 5 (CORD5). Identifiers: Orphanet 1872, MedGen C1832976, MONDO:0010969, OMIM 600977.

Allele frequency attached by ClinVar (database versions not stated): gnomAD 0.00020 and 0.00021; TOPMed 0.00029; ExAC 0.00038; ESP Exome Variant Server 0.00069.
gnomAD v4.1: 324 of 1,613,342 alleles (0.02%); highest among the groups gnomAD compares: South Asian, 0.043%; 1 homozygote.

Submissions (3):

Labcorp Genetics (formerly Invitae), Labcorp
Classification: Benign. Last evaluated: 2026-01-19. Review status: criteria provided, single submitter. Criteria: Invitae Variant Classification Sherloc (09022015). Collection method: clinical testing. Allele origin: germline.

Blueprint Genetics
Classification: Likely benign. Last evaluated: 2024-08-30. Review status: criteria provided, single submitter. Criteria: ACMG Guidelines, 2015. Collection method: clinical testing. Allele origin: germline.

Illumina Laboratory Services, Illumina
Classification: Likely benign for Cone-rod dystrophy 5. Last evaluated: 2018-01-12. Review status: criteria provided, single submitter. Criteria: ICSL Variant Classification Criteria 13 December 2019. Collection method: clinical testing. Allele origin: germline.
Comment: This variant was observed in the ICSL laboratory as part of a predisposition screen in an ostensibly healthy population. It had not been previously curated by ICSL or reported in the Human Gene Mutation Database (HGMD: prior to June 1st, 2018), and was therefore a candidate for classification through an automated scoring system. Utilizing variant allele frequency, disease prevalence and penetrance estimates, and inheritance mode, an automated score was calculated to assess if this variant is too frequent to cause the disease. Based on the score and internal cut-off values, a variant classified as likely benign is not then subjected to further curation. The score for this variant resulted in a classification of likely benign for this disease.

NM_031220.4(PITPNM3):c.576G>A (p.Ser192=)

Gene: PITPNM3 (PITPNM family member 3; minus strand). Cytogenetic location: 17p13.2.
Variant type: single nucleotide variant.
Coding change: c.576G>A on transcript NM_031220.4 (MANE Select); coding-DNA position 576, G replaced by A.
Protein change: p.Ser192=; no amino-acid change (serine 192 retained).
Molecular consequence: synonymous variant.
Genome position (GRCh38, 1-based): chr17:6,483,528, C>T on the plus strand (G>A on the coding strand, the complement: PITPNM3 is on the minus strand). VCF-style: chr17-6483528-C-T. GRCh37 (hg19) VCF-style: chr17-6386848-C-T.
Other names: c.468G>A, p.Ser156= (NM_001165966.2).
Identifiers: ClinVar variation 889655 (VCV000889655.13), dbSNP rs145362623, ClinGen allele CA8329796.